The following is an entry in ClinVar:

ClinVar aggregate classification (germline): Pathogenic (1 of 4 stars; one submission).

Conditions:
Neurofibromatosis, type 1 (NF1). Also called: Peripheral type neurofibromatosis; VON RECKLINGHAUSEN DISEASE; Neurofibromatosis, type I; NEUROFIBROMATOSIS, TYPE I, SOMATIC. Identifiers: Orphanet 636, MedGen C0027831, MONDO:0018975, OMIM 162200. Disease mechanism: loss of function.

Submission:

Labcorp Genetics (formerly Invitae), Labcorp
Classification: Pathogenic for Neurofibromatosis, type 1. Last evaluated: 2019-07-31. Review status: criteria provided, single submitter. Criteria: Invitae Variant Classification Sherloc (09022015). Collection method: clinical testing. Allele origin: germline.
Comment: This sequence change affects an acceptor splice site in intron 22 of the NF1 gene. It is expected to disrupt RNA splicing and likely results in an absent or disrupted protein product. For these reasons, this variant has been classified as Pathogenic. Donor and acceptor splice site variants typically lead to a loss of protein function (PMID: 16199547), and loss-of-function variants in NF1 are known to be pathogenic (PMID: 10712197, 23913538). Disruption of this splice site has been observed in individuals with clinical features of Neurofibromatosis-Noonan syndrome and neurofibromatosis type 1 (PMID: 24357598, 28529006, 10543400, 8829638, 10712197). This variant is not present in population databases (ExAC no frequency).

Literature cited by the submitters: PubMed 16199547; PubMed 10712197; PubMed 23913538; PubMed 24357598; PubMed 28529006; PubMed 10543400; PubMed 8829638.

NM_001042492.3(NF1):c.2991-2A>T

Gene: NF1 (neurofibromin 1; plus strand). Cytogenetic location: 17q11.2.
Variant type: single nucleotide variant.
Coding change: c.2991-2A>T on transcript NM_001042492.3 (MANE Select); the canonical splice acceptor site of the intron before coding-DNA position 2991, A replaced by T.
Molecular consequence: splice acceptor variant.
Genome position (GRCh38, 1-based): chr17:31,230,258, A>T. VCF-style: chr17-31230258-A-T. GRCh37 (hg19) VCF-style: chr17-29557276-A-T.
Other names: c.2991-2A>T (NM_000267.4).
Identifiers: ClinVar variation 843158 (VCV000843158.7), dbSNP rs1555614495, ClinGen allele CA398986495.
Genomic context (GRCh38, chr17:31,230,258, plus strand): 5'-TTAGAATGCCTTCTCTTTTGTCTATATCTGATAATTTTTTTATTGTTTCTATGTCTATAT[A>T]GGTATGTTCGTGTGCTTGGGAATATGGTCCATGCAATTCAAATAAAAACGAAACTGTGTC-3'